The following is an entry in ClinVar:

ClinVar aggregate classification (germline): Likely benign (0 of 4 stars; one submission).

Conditions:
KIDINS220-related disorder. Also called: KIDINS220-related condition.

Allele frequency attached by ClinVar (database versions not stated): TOPMed below 0.00001; ExAC 0.00001; gnomAD exomes 0.00002.
gnomAD v4.1: 23 of 1,604,480 alleles (0.0014%); highest among the groups gnomAD compares: Non-Finnish European, 0.0019%; no homozygotes.

Submission:

PreventionGenetics, part of Exact Sciences
Classification: Likely benign for KIDINS220-related condition. Last evaluated: 2019-05-22. Review status: no assertion criteria provided. Collection method: clinical testing. Allele origin: germline.
Comment: This variant is classified as likely benign based on ACMG/AMP sequence variant interpretation guidelines (Richards et al. 2015 PMID: 25741868, with internal and published modifications).

NM_020738.4(KIDINS220):c.3042T>C (p.Asp1014=)

Gene: KIDINS220 (kinase D interacting substrate 220; minus strand). Cytogenetic location: 2p25.1.
Variant type: single nucleotide variant.
Coding change: c.3042T>C on transcript NM_020738.4 (MANE Select); coding-DNA position 3042, T replaced by C.
Protein change: p.Asp1014=; no amino-acid change (aspartic acid 1014 retained).
Molecular consequence: synonymous variant. On other transcripts: non-coding transcript variant (2).
Genome position (GRCh38, 1-based): chr2:8,751,614, A>G on the plus strand (T>C on the coding strand, the complement: KIDINS220 is on the minus strand). VCF-style: chr2-8751614-A-G. GRCh37 (hg19) VCF-style: chr2-8891744-A-G.
Other names: c.3045T>C, p.Asp1015= (NM_001348729.2, NM_001348731.2, NM_001348734.2 and 2 more transcripts); c.3042T>C, p.Asp1014= (NM_001348732.2, NM_001348735.2, NM_001348738.2 and 3 more transcripts); c.2916T>C, p.Asp972= (NM_001348736.2).
Identifiers: ClinVar variation 3039449 (VCV003039449.2), dbSNP rs780122754, ClinGen allele CA1519781.